The following is an entry in ClinVar:

ClinVar aggregate classification (germline): Pathogenic/Likely pathogenic. Review status: criteria provided, multiple submitters, no conflicts (2 of 4 stars). 9 submissions from 9 submitters: Pathogenic (2); Likely pathogenic (7). Last evaluated 2025-09-10.

Conditions:
Amyotrophic lateral sclerosis type 5 (ALS5). Also called: AMYOTROPHIC LATERAL SCLEROSIS 5, JUVENILE. Identifiers: Orphanet 300605, MedGen C1865864, MONDO:0011196, OMIM 602099.
SPG11-related disorder. Also called: SPG11-related condition.
Charcot-Marie-Tooth disease axonal type 2X. Also called: CHARCOT-MARIE-TOOTH DISEASE, AXONAL, AUTOSOMAL RECESSIVE, TYPE 2X; CHARCOT-MARIE-TOOTH NEUROPATHY, TYPE 2X. Identifiers: Orphanet 466775, MedGen C5569024, MONDO:0014726, OMIM 616668.
Hereditary spastic paraplegia 11. Also called: Spastic Paraplegia 11; SPASTIC PARAPLEGIA, AUTOSOMAL RECESSIVE, COMPLICATED, WITH THIN CORPUS CALLOSUM; SPASTIC PARAPLEGIA, AUTOSOMAL RECESSIVE, WITH MENTAL IMPAIRMENT AND THIN CORPUS CALLOSUM; Nakamura Osame syndrome; Autosomal recessive hereditary spastic paraplegia, mental impairment, and thin corpus callosum; Spastic paraplegia, mental retardation and thin corpus callosum. Identifiers: Orphanet 2822, MedGen C1858479, MONDO:0011445, OMIM 604360.

Allele frequency attached by ClinVar (database versions not stated): gnomAD exomes 0.00001; TOPMed 0.00001; ExAC 0.00002.
gnomAD v4.1: 17 of 1,614,108 alleles (0.0011%); highest among the groups gnomAD compares: Admixed American, 0.0017%; no homozygotes.

Submissions (9):

Labcorp Genetics (formerly Invitae), Labcorp
Classification: Pathogenic for Hereditary spastic paraplegia 11. Last evaluated: 2025-09-10. Review status: criteria provided, single submitter. Criteria: Invitae Variant Classification Sherloc (09022015). Collection method: clinical testing. Allele origin: germline.
Comment: This sequence change creates a premature translational stop signal (p.Arg2137*) in the SPG11 gene. It is expected to result in an absent or disrupted protein product. Loss-of-function variants in SPG11 are known to be pathogenic (PMID: 19105190, 20110243, 22154821, 26556829). This variant is present in population databases (rs769898852, gnomAD 0.01%). This variant has not been reported in the literature in individuals affected with SPG11-related conditions. ClinVar contains an entry for this variant (Variation ID: 620391). For these reasons, this variant has been classified as Pathogenic.

GeneDx
Classification: Pathogenic. Last evaluated: 2024-09-17. Review status: criteria provided, single submitter. Criteria: GeneDx Variant Classification Process June 2021. Collection method: clinical testing. Allele origin: germline. Affected: yes.
Comment: Reported with a second SPG11 variant on the opposite allele (in trans) in a patient with cognitive dysfunction, gait impairment, and corpus callosum atrophy (PMID: 38938072); Nonsense variant predicted to result in protein truncation or nonsense mediated decay in a gene for which loss of function is a known mechanism of disease; Not observed at significant frequency in large population cohorts (gnomAD); This variant is associated with the following publications: (PMID: 31589614, 38938072)

Fulgent Genetics
Classification: Likely pathogenic for Amyotrophic lateral sclerosis type 5; Hereditary spastic paraplegia 11; Charcot-Marie-Tooth disease axonal type 2X. Last evaluated: 2024-04-28. Review status: criteria provided, single submitter. Criteria: ACMG Guidelines, 2015. Collection method: clinical testing. Allele origin: germline.

Centre of Medical Genetics, University Hospital Muenster
Classification: Likely pathogenic. Last evaluated: 2021-12-08. Review status: criteria provided, single submitter. Criteria: ACMG Guidelines, 2015. Collection method: clinical testing. Allele origin: unknown. Affected: yes. Observed: 1 variant allele, 1 heterozygote.
Comment: ACMG categories: PVS1,PM2

Blueprint Genetics
Classification: Likely pathogenic for SPG11-related disorders. Last evaluated: 2019-09-14. Review status: criteria provided, single submitter. Criteria: ACMG Guidelines, 2015. Collection method: clinical testing. Allele origin: germline. Affected: yes. Observed: 1 variant allele.

CeGaT Center for Human Genetics Tuebingen
Classification: Likely pathogenic. Last evaluated: 2019-05-01. Review status: criteria provided, single submitter. Criteria: CeGaT Center For Human Genetics Tuebingen Variant Classification Criteria Version 2. Collection method: clinical testing. Allele origin: germline. Affected: yes. Observed: 1 variant allele.

Centre for Mendelian Genomics, University Medical Centre Ljubljana
Classification: Likely pathogenic for Hereditary spastic paraplegia 11. Last evaluated: 2019-02-12. Review status: criteria provided, single submitter. Criteria: ACMG Guidelines, 2015. Collection method: clinical testing. Allele origin: unknown. Affected: yes.
Comment: This variant was classified as: Likely pathogenic. The following ACMG criteria were applied in classifying this variant: PVS1,PM2.

Genome-Nilou Lab
Classification: Likely pathogenic for Hereditary spastic paraplegia 11. Review status: criteria provided, single submitter. Criteria: ACMG Guidelines, 2015. Collection method: clinical testing. Allele origin: germline.

Neuberg Centre For Genomic Medicine, NCGM
Classification: Likely pathogenic for Amyotrophic lateral sclerosis type 5. Review status: criteria provided, single submitter. Criteria: ACMG Guidelines, 2015. Collection method: clinical testing. Allele origin: germline. Inheritance: Autosomal recessive inheritance. Affected: yes.
Comment: The stop gained variant c.6409C>T (p.Arg2137Ter) in the SPG11 gene has not been reported previously as a pathogenic variant nor as a benign variant, to our knowledge. The variant has 0.001% allele frequency in gnomAD Exomes. It has been submitted to ClinVar as Likely Pathogenic/ Pathogenic. This variant is predicted to cause loss of normal protein function through protein truncation. Loss of function variants has been previously reported to be disease causing (Montecchiani et al., 2016). For these reasons, this variant has been classified as Likely Pathogenic.

Literature cited by the submitters: PubMed 19105190 (cited by Labcorp Genetics (formerly Invitae), Labcorp); PubMed 20110243 (cited by Labcorp Genetics (formerly Invitae), Labcorp); PubMed 22154821 (cited by Labcorp Genetics (formerly Invitae), Labcorp); PubMed 26556829 (cited by Labcorp Genetics (formerly Invitae), Labcorp).

NM_025137.4(SPG11):c.6409C>T (p.Arg2137Ter)

Gene: SPG11 (SPG11 vesicle trafficking associated, spatacsin; minus strand). Cytogenetic location: 15q21.1.
Variant type: single nucleotide variant.
Coding change: c.6409C>T on transcript NM_025137.4 (MANE Select); coding-DNA position 6409, C replaced by T.
Protein change: p.Arg2137Ter; replaces arginine 2137 with a stop codon.
Molecular consequence: nonsense.
Genome position (GRCh38, 1-based): chr15:44,570,593, G>A on the plus strand (C>T on the coding strand, the complement: SPG11 is on the minus strand). VCF-style: chr15-44570593-G-A. GRCh37 (hg19) VCF-style: chr15-44862791-G-A.
Other names: c.6070C>T, p.Arg2024Ter (NM_001160227.2); short protein forms R2137*, R2024*.
Identifiers: ClinVar variation 620391 (VCV000620391.56), dbSNP rs769898852, ClinGen allele CA7534139.